The following is an entry in ClinVar:

ClinVar aggregate classification (germline): Likely pathogenic (1 of 4 stars; one submission).

Conditions:
Charcot-Marie-Tooth disease, demyelinating, type 1G (CMT1G). Identifiers: Orphanet 476394, MedGen C4748940, MONDO:0033135, OMIM 618279.

Submission:

Clinical Genomics Laboratory, Washington University in St. Louis
Classification: Likely pathogenic for Charcot-Marie-Tooth disease, demyelinating, type 1G. Last evaluated: 2024-01-09. Review status: criteria provided, single submitter. Criteria: ACMG Guidelines, 2015. Collection method: clinical testing. Allele origin: germline. Affected: yes.
Comment: The PMP2 c.167G>T (p.Ser56Ile) variant, to our knowledge, has not been reported in the medical literature and is absent from the general population (gnomAD v.2.1.1), indicating it is not a common variant. This variant resides within the fatty acid coordinating region of PMP2 that is defined as a critical functional domain (Palaima P et al., PMID: 31412900) and several other nearby pathogenic or likely pathogenic variants have been identified as occurring de novo in affected individuals (Motley WW et al., PMID: 27009151). Computational predictors are uncertain as to the impact of this variant on PMP2 function. Based on available information and the ACMG/AMP guidelines for variant interpretation (Richards S et al., PMID: 25741868), this variant is classified as likely pathogenic.

NM_002677.5(PMP2):c.167G>T (p.Ser56Ile)

Gene: PMP2 (peripheral myelin protein 2; minus strand). Cytogenetic location: 8q21.13.
Variant type: single nucleotide variant.
Coding change: c.167G>T on transcript NM_002677.5 (MANE Select); coding-DNA position 167, G replaced by T.
Protein change: p.Ser56Ile; replaces serine 56 with isoleucine.
Molecular consequence: missense variant. On other transcripts: intron variant (1).
Genome position (GRCh38, 1-based): chr8:81,444,896, C>A on the plus strand (G>T on the coding strand, the complement: PMP2 is on the minus strand). VCF-style: chr8-81444896-C-A. GRCh37 (hg19) VCF-style: chr8-82357131-C-A.
Other names: c.74-295G>T (NM_001348381.2); short protein forms S56I.
Identifiers: ClinVar variation 3236607 (VCV003236607.1), dbSNP rs2487481768, ClinGen allele CA371518006.
Genomic context (GRCh38, chr8:81,444,896, plus strand): 5'-GCTGTGGTTTCTTCAAATTCCTGGCCTAGCTTGAAGGAGATTTCTGTATTTTTAAAGGTA[C>A]TTTCAGTTCGTATAGTTATAATATCTCCTTTCTTGCTGATGATCACAGTGGGTTTGGCCA-3'
Protein context (NP_002668.1, residues 46-66): KGDIITIRTE[Ser56Ile]TFKNTEISFK